The following is an entry in ClinVar:

ClinVar aggregate classification (germline): Likely benign (1 of 4 stars; one submission).

Allele frequency attached by ClinVar (database versions not stated): TOPMed 0.00002; gnomAD 0.00003; gnomAD exomes 0.00003; ExAC 0.00007; ESP Exome Variant Server 0.00008.

Submission:

CeGaT Center for Human Genetics Tuebingen
Classification: Likely benign. Last evaluated: 2022-08-01. Review status: criteria provided, single submitter. Criteria: CeGaT Center For Human Genetics Tuebingen Variant Classification Criteria Version 2. Collection method: clinical testing. Allele origin: germline. Affected: yes. Observed: 1 variant allele.
Comment: BAHCC1: BP4, BP7

NM_001377448.1(BAHCC1):c.6915C>T (p.Gly2305=)

Gene: BAHCC1 (BAH domain and coiled-coil containing 1; plus strand). Cytogenetic location: 17q25.3.
Variant type: single nucleotide variant.
Coding change: c.6915C>T on transcript NM_001377448.1 (MANE Select); coding-DNA position 6915, C replaced by T.
Protein change: p.Gly2305=; no amino-acid change (glycine 2305 retained).
Molecular consequence: synonymous variant.
Genome position (GRCh38, 1-based): chr17:81,461,578, C>T. VCF-style: chr17-81461578-C-T. GRCh37 (hg19) VCF-style: chr17-79428604-C-T.
Other names: c.7008C>T, p.Gly2336= (NM_001291324.3).
Identifiers: ClinVar variation 2648455 (VCV002648455.24), dbSNP rs368668705, ClinGen allele CA8835371.